The following is an entry in ClinVar:

ClinVar aggregate classification (germline): Uncertain significance. Review status: criteria provided, multiple submitters, no conflicts (2 of 4 stars). 4 submissions from 4 submitters: Uncertain significance (4). Last evaluated 2025-09-10.

Conditions:
Brugada syndrome 8 (BRGDA8). Identifiers: Orphanet 130, MedGen C2751083, MONDO:0013148, OMIM 613123.
Cardiovascular phenotype. Identifiers: MedGen CN230736.
HCN4-related disorder. Also called: HCN4-related condition.

Allele frequency attached by ClinVar (database versions not stated): ExAC 0.00001; gnomAD 0.00001; gnomAD exomes 0.00001 and 0.00002; TOPMed 0.00001.
gnomAD v4.1: 10 of 1,613,796 alleles (0.00062%); highest among the groups gnomAD compares: South Asian, 0.0044%; no homozygotes.

Submissions (4):

Labcorp Genetics (formerly Invitae), Labcorp
Classification: Uncertain significance for Brugada syndrome 8. Last evaluated: 2025-09-10. Review status: criteria provided, single submitter. Criteria: Invitae Variant Classification Sherloc (09022015). Collection method: clinical testing. Allele origin: germline.
Comment: This sequence change replaces arginine, which is basic and polar, with glutamine, which is neutral and polar, at codon 666 of the HCN4 protein (p.Arg666Gln). This variant is present in population databases (rs781395940, gnomAD 0.01%). This missense change has been observed in individual(s) with bradycardia (PMID: 36244448). ClinVar contains an entry for this variant (Variation ID: 1060332). Invitae Evidence Modeling of protein sequence and biophysical properties (such as structural, functional, and spatial information, amino acid conservation, physicochemical variation, residue mobility, and thermodynamic stability) has been performed for this missense variant. However, the output from this modeling did not meet the statistical confidence thresholds required to predict the impact of this variant on HCN4 protein function. Experimental studies have shown that this missense change affects HCN4 function (PMID: 36244448). In summary, the available evidence is currently insufficient to determine the role of this variant in disease. Therefore, it has been classified as a Variant of Uncertain Significance.

PreventionGenetics, part of Exact Sciences
Classification: Uncertain significance for HCN4-related condition. Last evaluated: 2025-01-10. Review status: criteria provided, single submitter. Criteria: ACMG Guidelines, 2015. Collection method: clinical testing. Allele origin: germline.
Comment: The HCN4 c.1997G>A variant is predicted to result in the amino acid substitution p.Arg666Gln. This variant has been reported in two individuals with sinus bradycardia, QT prolongation, and short bursts of ventricular tachycardia (Wang et al. 2022. PubMed ID: 36244448). Functional studies showed that this variant decreases channel electrophysiological function and increases protein degradation (Wang et al. 2022. PubMed ID: 36244448). This variant is reported in 0.011% of alleles in individuals of East Asian descent in gnomAD. At this time, the clinical significance of this variant is uncertain due to the absence of conclusive functional and genetic evidence.

Ambry Genetics
Classification: Uncertain significance for Cardiovascular phenotype. Last evaluated: 2024-05-13. Review status: criteria provided, single submitter. Criteria: Ambry Variant Classification Scheme 2023. Collection method: clinical testing. Allele origin: germline.
Comment: The p.R666Q variant (also known as c.1997G>A), located in coding exon 7 of the HCN4 gene, results from a G to A substitution at nucleotide position 1997. The arginine at codon 666 is replaced by glutamine, an amino acid with highly similar properties. This variant has been detected in individuals with sinus bradycardia, syncope, and QT prolongation (Wang H et al. J Biol Chem. 2022 Nov;298(11):102599). This amino acid position is highly conserved in available vertebrate species. In addition, the in silico prediction for this alteration is inconclusive. Based on the available evidence, the clinical significance of this variant remains unclear.

Blueprint Genetics
Classification: Uncertain significance. Last evaluated: 2022-02-02. Review status: criteria provided, single submitter. Criteria: ACMG Guidelines, 2015. Collection method: clinical testing. Allele origin: germline.

Literature cited by the submitters: PubMed 36244448 (cited by Labcorp Genetics (formerly Invitae), Labcorp and Ambry Genetics).

NM_005477.3(HCN4):c.1997G>A (p.Arg666Gln)

Gene: HCN4 (hyperpolarization activated cyclic nucleotide gated potassium channel 4; minus strand). Cytogenetic location: 15q24.1.
Variant type: single nucleotide variant.
Coding change: c.1997G>A on transcript NM_005477.3 (MANE Select); coding-DNA position 1997, G replaced by A.
Protein change: p.Arg666Gln; replaces arginine 666 with glutamine.
Molecular consequence: missense variant.
Genome position (GRCh38, 1-based): chr15:73,324,235, C>T on the plus strand (G>A on the coding strand, the complement: HCN4 is on the minus strand). VCF-style: chr15-73324235-C-T. GRCh37 (hg19) VCF-style: chr15-73616576-C-T.
Other names: short protein forms R666Q.
Identifiers: ClinVar variation 1060332 (VCV001060332.14), dbSNP rs781395940, ClinGen allele CA7649142.